The following is an entry in ClinVar:

NM_000092.5(COL4A4):c.2023A>G (p.Arg675Gly)

Gene: COL4A4 (collagen type IV alpha 4 chain; minus strand). Cytogenetic location: 2q36.3.
Variant type: single nucleotide variant.
Coding change: c.2023A>G on transcript NM_000092.5 (MANE Select); coding-DNA position 2023, A replaced by G.
Protein change: p.Arg675Gly; replaces arginine 675 with glycine.
Molecular consequence: missense variant.
Genome position (GRCh38, 1-based): chr2:227,062,563, T>C on the plus strand (A>G on the coding strand, the complement: COL4A4 is on the minus strand). VCF-style: chr2-227062563-T-C. GRCh37 (hg19) VCF-style: chr2-227927279-T-C.
Other names: short protein forms R675G.
Identifiers: ClinVar variation 2813345 (VCV002813345.6), dbSNP rs1018765959, ClinGen allele CA66589905.
Genomic context (GRCh38, chr2:227,062,563, plus strand): 5'-AAGACAGTAACTTCTCATTGATAATACCTGGAGGTCCATCAAAACCTGGAGGGCCATGCC[T>C]CCCAGGGTAGGTTACGTTGCAAGAAATTGTGTCACCTGCAATGAGAAAAGAAAAGCGGCA-3'
Protein context (NP_000083.3, residues 665-685): TISCNVTYPG[Arg675Gly]HGPPGFDGPP

ClinVar aggregate classification (germline): Conflicting classifications of pathogenicity. Review status: criteria provided, conflicting classifications (1 of 4 stars). 2 submissions from 2 submitters: Uncertain significance (1); Likely benign (1). Last evaluated 2026-04-09.

Conditions:
COL4A4-related disorder.

Allele frequency attached by ClinVar (database versions not stated): gnomAD exomes below 0.00001; TOPMed below 0.00001; gnomAD 0.00001.
gnomAD v4.1: 5 of 1,612,616 alleles (0.00031%); highest among the groups gnomAD compares: African/African-American, 0.0067%; no homozygotes.

Submissions (2):

PreventionGenetics, part of Exact Sciences
Classification: Uncertain significance for COL4A4-related condition. Last evaluated: 2026-04-09. Review status: criteria provided, single submitter. Criteria: ACMG Guidelines, 2015. Collection method: clinical testing. Allele origin: germline.
Comment: The COL4A4 c.2023A>G variant is predicted to result in the amino acid substitution p.Arg675Gly. To our knowledge, this variant has not been reported in the literature. This variant is reported in 0.013% of alleles in individuals of African descent in gnomAD. At this time, the clinical significance of this variant is uncertain due to the absence of conclusive functional and genetic evidence.

Labcorp Genetics (formerly Invitae), Labcorp
Classification: Likely benign. Last evaluated: 2023-02-10. Review status: criteria provided, single submitter. Criteria: Invitae Variant Classification Sherloc (09022015). Collection method: clinical testing. Allele origin: germline.